The following is an entry in ClinVar:

NM_205861.3(DHDDS):c.63+6C>A

Gene: DHDDS (dehydrodolichyl diphosphate synthase subunit; plus strand). Cytogenetic location: 1p36.11.
Variant type: single nucleotide variant.
Coding change: c.63+6C>A on transcript NM_205861.3 (MANE Select); 6 bases into the intron after coding-DNA position 63, C replaced by A.
Molecular consequence: intron variant.
Genome position (GRCh38, 1-based): chr1:26,433,014, C>A. VCF-style: chr1-26433014-C-A. GRCh37 (hg19) VCF-style: chr1-26759505-C-A.
Other names: c.-240+6C>A (NM_001319959.2); c.63+6C>A (NM_024887.4, NM_001243564.2, NM_001243565.2).
Identifiers: ClinVar variation 4704115 (VCV004704115.1).
Genomic context (GRCh38, chr1:26,433,014, plus strand): 5'-GATCAAGGAAGGAGAGCTGTCACTTTGGGAGCGGTTCTGTGCCAACATCATAAAGGTGAG[C>A]AATGGCCCAGAGCACCGGTTGGCCTTCTGGTCAGTTGGATAATCTTATATAAAAACCTGT-3'

ClinVar aggregate classification (germline): Uncertain significance (1 of 4 stars; one submission).

Conditions:
Retinitis pigmentosa 59 (RP59). Identifiers: Orphanet 791, MedGen C3151227, MONDO:0013468, OMIM 613861.

Submission:

Labcorp Genetics (formerly Invitae), Labcorp
Classification: Uncertain significance for Retinitis pigmentosa 59. Last evaluated: 2025-09-08. Review status: criteria provided, single submitter. Criteria: Invitae Variant Classification Sherloc (09022015). Collection method: clinical testing. Allele origin: germline.
Comment: This sequence change falls in intron 2 of the DHDDS gene. It does not directly change the encoded amino acid sequence of the DHDDS protein. It affects a nucleotide within the consensus splice site. This variant is present in population databases (rs758404315, gnomAD 0.006%). This variant has not been reported in the literature in individuals affected with DHDDS-related conditions. Variants that disrupt the consensus splice site are a relatively common cause of aberrant splicing (PMID: 17576681, 9536098). Algorithms developed to predict the effect of sequence changes on RNA splicing suggest that this variant is not likely to affect RNA splicing. In summary, the available evidence is currently insufficient to determine the role of this variant in disease. Therefore, it has been classified as a Variant of Uncertain Significance.

Literature cited by the submitters: PubMed 17576681; PubMed 9536098.